The following is an entry in ClinVar:

NM_000536.4(RAG2):c.100_102del (p.Lys34del)

Gene: RAG2 (recombination activating 2; minus strand). Cytogenetic location: 11p12.
Variant type: Deletion.
Coding change: c.100_102del on transcript NM_000536.4 (MANE Select); coding-DNA positions 100 to 102, 3 bases deleted (AAA; older notation c.100_102delAAA).
Protein change: p.Lys34del; deletes lysine 34.
Molecular consequence: inframe deletion.
Genome position (GRCh38, 1-based): chr11:36,594,067-36,594,069, TTT deleted on the plus strand (AAA on the coding strand, the reverse complement: RAG2 is on the minus strand); deleting any 3 consecutive bases within chr11:36,594,067-36,594,071 gives the same sequence; the c. name uses the placement nearest the transcript's 3' end. VCF-style (leftmost placement, unchanged base first): chr11-36594066-CTTT-C. GRCh37 (hg19) VCF-style: chr11-36615616-CTTT-C.
Other names: c.100_102del, p.Lys34del (NM_001243785.2, NM_001243786.2); short protein forms K34del.
Identifiers: ClinVar variation 5004719 (VCV005004719.1).

ClinVar aggregate classification (germline): Uncertain significance (1 of 4 stars; one submission).

Conditions:
Recombinase activating gene 2 deficiency. Also called: RAG2 deficiency. Identifiers: MedGen CN257931, MONDO:0000573.

Submission:

Myriad Genetics, Inc.
Classification: Uncertain significance for Recombinase activating gene 2 deficiency. Last evaluated: 2026-06-08. Review status: criteria provided, single submitter. Criteria: Myriad Autosomal Dominant, Autosomal Recessive and X-Linked Classification Criteria (2023). Collection method: clinical testing. Allele origin: unknown.
Comment: NM_001243785.1(RAG2):c.100_102delAAA(K34del) is an in-frame deletion classified as a variant of uncertain significance in the context of severe combined immunodeficiency, RAG2-related. K34del has not been observed in cases with relevant disease. Relevant functional assessments of this variant are not available in the literature. K34del has not been observed in referenced population frequency databases. In summary, there is insufficient evidence to classify NM_001243785.1(RAG2):c.100_102delAAA(K34del) as pathogenic or benign. Please note: this variant was assessed in the context of healthy population screening.